The following is an entry in ClinVar:

ClinVar aggregate classification (germline): Uncertain significance (1 of 4 stars; one submission).

Submission:

Labcorp Genetics (formerly Invitae), Labcorp
Classification: Uncertain significance. Last evaluated: 2024-10-29. Review status: criteria provided, single submitter. Criteria: Invitae Variant Classification Sherloc (09022015). Collection method: clinical testing. Allele origin: germline.
Comment: This sequence change replaces glutamine, which is neutral and polar, with histidine, which is basic and polar, at codon 1182 of the DHX38 protein (p.Gln1182His). This variant is not present in population databases (gnomAD no frequency). This variant has not been reported in the literature in individuals affected with DHX38-related conditions. ClinVar contains an entry for this variant (Variation ID: 1041694). Invitae Evidence Modeling of protein sequence and biophysical properties (such as structural, functional, and spatial information, amino acid conservation, physicochemical variation, residue mobility, and thermodynamic stability) indicates that this missense variant is not expected to disrupt DHX38 protein function with a negative predictive value of 80%. In summary, the available evidence is currently insufficient to determine the role of this variant in disease. Therefore, it has been classified as a Variant of Uncertain Significance.

NM_014003.4(DHX38):c.3546G>T (p.Gln1182His)

Gene: DHX38 (DEAH-box helicase 38; plus strand). Cytogenetic location: 16q22.2.
Variant type: single nucleotide variant.
Coding change: c.3546G>T on transcript NM_014003.4 (MANE Select); coding-DNA position 3546, G replaced by T.
Protein change: p.Gln1182His; replaces glutamine 1182 with histidine.
Molecular consequence: missense variant.
Genome position (GRCh38, 1-based): chr16:72,111,024, G>T. VCF-style: chr16-72111024-G-T. GRCh37 (hg19) VCF-style: chr16-72144923-G-T.
Other names: short protein forms Q1182H.
Identifiers: ClinVar variation 1041694 (VCV001041694.8), dbSNP rs2042248697, ClinGen allele CA396718579.
Genomic context (GRCh38, chr16:72,111,024, plus strand): 5'-TCGTCGGGCCAAAGAGGAAGCCTCTGCCATGGAGGAGGAGATGGCGCTGGCCGAGGAGCA[G>T]CTGCGAGCCCGGCGGCAGGAGCAGGAGAAGCGCAGCCCCCTGGGCAGTGTCAGGTGAGCT-3'
Protein context (NP_054722.2, residues 1172-1192): MEEEMALAEE[Gln1182His]LRARRQEQEK